The following is an entry in ClinVar:

ClinVar aggregate classification (germline): Uncertain significance. Review status: criteria provided, multiple submitters, no conflicts (2 of 4 stars). 2 submissions from 2 submitters: Uncertain significance (2). Last evaluated 2026-06-15.

Conditions:
Inborn genetic diseases. Identifiers: MedGen C0950123, MeSH D030342.
Deafness-lymphedema-leukemia syndrome. Also called: Lymphedema, primary, with myelodysplasia; Emberger syndrome. Identifiers: Orphanet 3226, MedGen C3279664, MONDO:0013540, OMIM 614038.
Monocytopenia with susceptibility to infections. Also called: MONOCYTOPENIA AND MYCOBACTERIAL INFECTION SYNDROME; MONOCYTOPENIA WITH SUSCEPTIBILITY TO MYCOBACTERIAL, FUNGAL, AND PAPILLOMAVIRUS INFECTIONS AND MYELODYSPLASIA; COMBINED IMMUNODEFICIENCY WITH SUSCEPTIBILITY TO MYCOBACTERIAL, VIRAL, AND FUNGAL INFECTIONS; Dendritic cell, monocyte, B lymphocyte, and natural killer lymphocyte deficiency; GATA2 DEFICIENCY; IMMUNODEFICIENCY 21. Identifiers: Orphanet 228423, MedGen C3280030, MONDO:0013607, OMIM 614172.

Submissions (2):

Ambry Genetics
Classification: Uncertain significance for Inborn genetic diseases. Last evaluated: 2026-06-15. Review status: criteria provided, single submitter. Criteria: Ambry Variant Classification Scheme 2023. Collection method: clinical testing. Allele origin: germline.
Comment: The p.H76R variant (also known as c.227A>G), located in coding exon 1 of the GATA2 gene, results from an A to G substitution at nucleotide position 227. The histidine at codon 76 is replaced by arginine, an amino acid with highly similar properties. This amino acid position is highly conserved in available vertebrate species. In addition, this alteration is predicted to be deleterious by in silico analysis. Based on the available evidence, the clinical significance of this variant remains unclear.

Labcorp Genetics (formerly Invitae), Labcorp
Classification: Uncertain significance for Monocytopenia with susceptibility to infections; Deafness-lymphedema-leukemia syndrome. Last evaluated: 2026-02-03. Review status: criteria provided, single submitter. Criteria: Invitae Variant Classification Sherloc (09022015). Collection method: clinical testing. Allele origin: germline.
Comment: This sequence change replaces histidine, which is basic and polar, with arginine, which is basic and polar, at codon 76 of the GATA2 protein (p.His76Arg). This variant is not present in population databases (gnomAD no frequency). This variant has not been reported in the literature in individuals affected with GATA2-related conditions. ClinVar contains an entry for this variant (Variation ID: 642649). An algorithm developed to predict the effect of missense changes on protein structure and function (PolyPhen-2) suggests that this variant is likely to be disruptive. In summary, the available evidence is currently insufficient to determine the role of this variant in disease. Therefore, it has been classified as a Variant of Uncertain Significance.

NM_032638.5(GATA2):c.227A>G (p.His76Arg)

Gene: GATA2 (GATA binding protein 2; minus strand). Cytogenetic location: 3q21.3.
Variant type: single nucleotide variant.
Coding change: c.227A>G on transcript NM_032638.5 (MANE Select); coding-DNA position 227, A replaced by G.
Protein change: p.His76Arg; replaces histidine 76 with arginine.
Molecular consequence: missense variant.
Genome position (GRCh38, 1-based): chr3:128,486,805, T>C on the plus strand (A>G on the coding strand, the complement: GATA2 is on the minus strand). VCF-style: chr3-128486805-T-C. GRCh37 (hg19) VCF-style: chr3-128205648-T-C.
Other names: c.227A>G, p.His76Arg (NM_001145661.2, NM_001145662.1); short protein forms H76R.
Identifiers: ClinVar variation 642649 (VCV000642649.7), dbSNP rs1576749657, ClinGen allele CA354408164.